The following is an entry in ClinVar:

ClinVar aggregate classification (germline): Uncertain significance (1 of 4 stars; one submission).

Allele frequency attached by ClinVar (database versions not stated): gnomAD 0.00001; TOPMed 0.00002.
gnomAD v4.1: 10 of 1,608,782 alleles (0.00062%); highest among the groups gnomAD compares: Middle Eastern, 0.016%; no homozygotes.

Submission:

Labcorp Genetics (formerly Invitae), Labcorp
Classification: Uncertain significance. Last evaluated: 2023-11-28. Review status: criteria provided, single submitter. Criteria: Invitae Variant Classification Sherloc (09022015). Collection method: clinical testing. Allele origin: germline.
Comment: This sequence change falls in intron 2 of the SLC25A21 gene. It does not directly change the encoded amino acid sequence of the SLC25A21 protein. It affects a nucleotide within the consensus splice site. This variant is present in population databases (rs756523899, gnomAD 0.002%). This variant has not been reported in the literature in individuals affected with SLC25A21-related conditions. Variants that disrupt the consensus splice site are a relatively common cause of aberrant splicing (PMID: 17576681, 9536098). Algorithms developed to predict the effect of sequence changes on RNA splicing suggest that this variant is not likely to affect RNA splicing. In summary, the available evidence is currently insufficient to determine the role of this variant in disease. Therefore, it has been classified as a Variant of Uncertain Significance.

Literature cited by the submitters: PubMed 17576681; PubMed 9536098.

NM_030631.4(SLC25A21):c.119+6G>T

Gene: SLC25A21 (solute carrier family 25 member 21; minus strand). Cytogenetic location: 14q13.3.
Variant type: single nucleotide variant.
Coding change: c.119+6G>T on transcript NM_030631.4 (MANE Select); 6 bases into the intron after coding-DNA position 119, G replaced by T.
Molecular consequence: intron variant.
Genome position (GRCh38, 1-based): chr14:36,874,950, C>A on the plus strand (G>T on the coding strand, the complement: SLC25A21 is on the minus strand). VCF-style: chr14-36874950-C-A. GRCh37 (hg19) VCF-style: chr14-37344155-C-A.
Other names: c.119+6G>T (NM_001171170.2).
Identifiers: ClinVar variation 2906880 (VCV002906880.3), dbSNP rs756523899, ClinGen allele CA7159440.
Genomic context (GRCh38, chr14:36,874,950, plus strand): 5'-TGCTCTGACAGATCTTAATTTGGATATTAGCCAAAGTCAATAAAACTTGTTCATGCAGAA[C>A]CTTACCTGGTTTTCACCACATCTAGGGGGTGCATCAGGCAAATTTCTACAAGACCTGAAA-3'